The following is an entry in ClinVar:

NM_002834.5(PTPN11):c.1028G>A (p.Arg343Gln)

Gene: PTPN11 (protein tyrosine phosphatase non-receptor type 11; plus strand). Cytogenetic location: 12q24.13.
Variant type: single nucleotide variant.
Coding change: c.1028G>A on transcript NM_002834.5 (MANE Select); coding-DNA position 1028, G replaced by A.
Protein change: p.Arg343Gln; replaces arginine 343 with glutamine.
Molecular consequence: missense variant.
Genome position (GRCh38, 1-based): chr12:112,477,951, G>A. VCF-style: chr12-112477951-G-A. GRCh37 (hg19) VCF-style: chr12-112915755-G-A.
Other names: p.R343Q:CGG>CAG; NM_002834.4(PTPN11):c.1028G>A; c.1028G>A, p.Arg343Gln (NM_001330437.2, NM_080601.3); c.1025G>A, p.Arg342Gln (NM_001374625.1); short protein forms R343Q, R342Q.
Identifiers: ClinVar variation 181766 (VCV000181766.15), dbSNP rs535800148, ClinGen allele CA297648.

ClinVar aggregate classification (germline): Benign. Review status: reviewed by expert panel (3 of 4 stars). 6 submissions from 6 submitters: Benign (1). 5 of the submissions do not count toward it. Last evaluated 2017-04-18.

Conditions:
Cardiovascular phenotype. Identifiers: MedGen CN230736.
RASopathy. Also called: Noonan spectrum disorder; rasopathies. Identifiers: MedGen C5555857, MONDO:0021060, Orphanet 536391.

Allele frequency attached by ClinVar (database versions not stated): gnomAD 0.00001 and 0.00003; TOPMed 0.00003; gnomAD exomes 0.00019; ExAC 0.00022; 1000 Genomes Project 0.00060; 1000 Genomes Project 30x 0.00078.
gnomAD v4.1: 110 of 1,614,142 alleles (0.0068%); highest among the groups gnomAD compares: South Asian, 0.1%; 1 homozygote.

Submissions (6):

ClinGen RASopathy Variant Curation Expert Panel
Classification: Benign for Noonan syndrome and Noonan-related syndrome. Last evaluated: 2017-04-18. Review status: reviewed by expert panel. Criteria: ClinGen RASopathy ACMG Specifications v1. Collection method: curation. Allele origin: germline. Inheritance: Autosomal dominant inheritance.
Comment: The filtering allele frequency of the c.1028G>A (p.Arg343Gln) variant in the PTPN11 gene is 0.116% (27/16494) of South Asian chromosomes by the Exome Aggregation Consortium, which is a high enough frequency to be classified as benign based on thresholds defined by the ClinGen RASopathy Expert Panel (BA1; PMID:29493581)

CeGaT Center for Human Genetics Tuebingen
Classification: Likely benign. Last evaluated: 2026-08-01. Review status: criteria provided, single submitter. Criteria: CeGaT Center For Human Genetics Tuebingen Variant Classification Criteria Version 2. Collection method: clinical testing. Allele origin: germline. Affected: yes. Observed: 1 variant allele. Not counted in ClinVar's aggregate classification.
Comment: PTPN11: PP2, BS1

Women's Health and Genetics/Laboratory Corporation of America, LabCorp
Classification: Likely benign. Last evaluated: 2026-03-06. Review status: criteria provided, single submitter. Criteria: LabCorp Variant Classification Summary - May 2015. Collection method: clinical testing. Allele origin: germline. Not counted in ClinVar's aggregate classification.

Labcorp Genetics (formerly Invitae), Labcorp
Classification: Likely benign for RASopathy. Last evaluated: 2025-12-07. Review status: criteria provided, single submitter. Criteria: Invitae Variant Classification Sherloc (09022015). Collection method: clinical testing. Allele origin: germline. Not counted in ClinVar's aggregate classification.

Ambry Genetics
Classification: Benign for Cardiovascular phenotype. Last evaluated: 2020-12-21. Review status: criteria provided, single submitter. Criteria: Ambry Variant Classification Scheme 2023. Collection method: clinical testing. Allele origin: germline. Not counted in ClinVar's aggregate classification.

GeneDx
Classification: Benign. Last evaluated: 2019-03-19. Review status: criteria provided, single submitter. Criteria: GeneDx Variant Classification (06012015). Collection method: clinical testing. Allele origin: germline. Affected: yes. Not counted in ClinVar's aggregate classification.
Comment: This variant is considered likely benign or benign based on one or more of the following criteria: it is a conservative change, it occurs at a poorly conserved position in the protein, it is predicted to be benign by multiple in silico algorithms, and/or has population frequency not consistent with disease.

Literature cited by the submitters: PubMed 15385933 (cited by Women's Health and Genetics/Laboratory Corporation of America, LabCorp); PubMed 14644997 (cited by Women's Health and Genetics/Laboratory Corporation of America, LabCorp); PubMed 19047918 (cited by Women's Health and Genetics/Laboratory Corporation of America, LabCorp); PubMed 19179468 (cited by Women's Health and Genetics/Laboratory Corporation of America, LabCorp); PubMed 17972951 (cited by Women's Health and Genetics/Laboratory Corporation of America, LabCorp); PubMed 15710330 (cited by Women's Health and Genetics/Laboratory Corporation of America, LabCorp); PubMed 25395418 (cited by Women's Health and Genetics/Laboratory Corporation of America, LabCorp); PubMed 27069254 (cited by Women's Health and Genetics/Laboratory Corporation of America, LabCorp).